The following is an entry in ClinVar:

NM_005428.4(VAV1):c.1931C>T (p.Thr644Ile)

Gene: VAV1 (vav guanine nucleotide exchange factor 1; plus strand). Cytogenetic location: 19p13.3.
Variant type: single nucleotide variant.
Coding change: c.1931C>T on transcript NM_005428.4 (MANE Select); coding-DNA position 1931, C replaced by T.
Protein change: p.Thr644Ile; replaces threonine 644 with isoleucine.
Molecular consequence: missense variant. On other transcripts: intron variant (1).
Genome position (GRCh38, 1-based): chr19:6,837,001, C>T. VCF-style: chr19-6837001-C-T. GRCh37 (hg19) VCF-style: chr19-6837012-C-T.
Other names: c.1835C>T, p.Thr612Ile (NM_001258207.2); c.1914+433C>T (NM_001258206.2); short protein forms T612I, T644I.
Identifiers: ClinVar variation 1372915 (VCV001372915.6), dbSNP rs758131236, ClinGen allele CA9132784.
Genomic context (GRCh38, chr19:6,837,001, plus strand): 5'-TCCTATAACCTCTCTGTTCCTGTTTTTGTCTCCTGGGTGTTTAGGGCAGAAATACATCTA[C>T]TAATGAAATTGGCTGGTTTCCTTGTAACAGGGTGAAGCCCTATGTCCATGTGAGTGCCTC-3'
Protein context (NP_005419.2, residues 634-654): QNWWEGRNTS[Thr644Ile]NEIGWFPCNR

ClinVar aggregate classification (germline): Uncertain significance (1 of 4 stars; one submission).

Allele frequency attached by ClinVar (database versions not stated): gnomAD exomes below 0.00001 and 0.00001; gnomAD 0.00001; TOPMed 0.00001; ExAC 0.00002.
gnomAD v4.1: 8 of 1,614,014 alleles (0.0005%); highest among the groups gnomAD compares: South Asian, 0.0011%; no homozygotes.

Submission:

Labcorp Genetics (formerly Invitae), Labcorp
Classification: Uncertain significance. Last evaluated: 2022-02-09. Review status: criteria provided, single submitter. Criteria: Invitae Variant Classification Sherloc (09022015). Collection method: clinical testing. Allele origin: germline.
Comment: This variant has not been reported in the literature in individuals affected with VAV1-related conditions. Algorithms developed to predict the effect of missense changes on protein structure and function (SIFT, PolyPhen-2, Align-GVGD) all suggest that this variant is likely to be tolerated. In summary, the available evidence is currently insufficient to determine the role of this variant in disease. Therefore, it has been classified as a Variant of Uncertain Significance. This sequence change replaces threonine, which is neutral and polar, with isoleucine, which is neutral and non-polar, at codon 644 of the VAV1 protein (p.Thr644Ile). This variant is present in population databases (rs758131236, gnomAD 0.002%).